The following is an entry in ClinVar:

NM_001807.6(CEL):c.1619G>A (p.Arg540His)

Gene: CEL (carboxyl ester lipase; plus strand). Cytogenetic location: 9q34.13.
Variant type: single nucleotide variant.
Coding change: c.1619G>A on transcript NM_001807.6 (MANE Select); coding-DNA position 1619, G replaced by A.
Protein change: p.Arg540His; replaces arginine 540 with histidine.
Molecular consequence: missense variant.
Genome position (GRCh38, 1-based): chr9:133,071,121, G>A. VCF-style: chr9-133071121-G-A. GRCh37 (hg19) VCF-style: chr9-135946508-G-A.
Other names: short protein forms R540H.
Identifiers: ClinVar variation 393422 (VCV000393422.6), dbSNP rs201012268, ClinGen allele CA5303450.

ClinVar aggregate classification (germline): Benign/Likely benign. Review status: criteria provided, multiple submitters, no conflicts (2 of 4 stars). 3 submissions from 3 submitters: Benign (1); Likely benign (2). Last evaluated 2019-09-30.

Conditions:
Monogenic diabetes. Identifiers: Orphanet 183625, MedGen C3888631, MONDO:0015967.

Allele frequency attached by ClinVar (database versions not stated): gnomAD 0.00466 and 0.00487; ESP Exome Variant Server 0.00546; TOPMed 0.00559; 1000 Genomes Project 0.00599; 1000 Genomes Project 30x 0.00640.

Submissions (3):

GeneDx
Classification: Likely benign. Last evaluated: 2019-09-30. Review status: criteria provided, single submitter. Criteria: GeneDx Variant Classification Process June 2021. Collection method: clinical testing. Allele origin: germline. Affected: yes.

Personalized Diabetes Medicine Program, University of Maryland School of Medicine
Classification: Benign for Monogenic diabetes. Last evaluated: 2018-12-21. Review status: criteria provided, single submitter. Criteria: ACMG Guidelines, 2015. Collection method: research. Allele origin: unknown. Observed: 2 variant alleles, 2 heterozygotes.
Comment: ACMG criteria: BA1 (1.6% MAF in gnomAD Africans)=benign (REVEL 0.161 + BP4/9 predictors= conflicting evidence, not using)

Breakthrough Genomics
Classification: Likely benign. Review status: criteria provided, single submitter. Criteria: ACMG Guidelines, 2015. Collection method: not provided. Allele origin: germline. Inheritance: Autosomal dominant inheritance. Affected: yes.